The following is an entry in ClinVar:

NM_000291.4(PGK1):c.843C>T (p.Thr281=)

Gene: PGK1 (phosphoglycerate kinase 1; plus strand). Cytogenetic location: Xq21.1.
Variant type: single nucleotide variant.
Coding change: c.843C>T on transcript NM_000291.4 (MANE Select); coding-DNA position 843, C replaced by T.
Protein change: p.Thr281=; no amino-acid change (threonine 281 retained).
Molecular consequence: synonymous variant.
Genome position (GRCh38, 1-based): chrX:78,123,281, C>T. VCF-style: chrX-78123281-C-T. GRCh37 (hg19) VCF-style: chrX-77378778-C-T.
Identifiers: ClinVar variation 2660967 (VCV002660967.27), dbSNP rs782522851, ClinGen allele CA10459776.

ClinVar aggregate classification (germline): Benign/Likely benign. Review status: criteria provided, multiple submitters, no conflicts (2 of 4 stars). 2 submissions from 2 submitters: Benign (1); Likely benign (1). Last evaluated 2025-10-09.

Allele frequency attached by ClinVar (database versions not stated): gnomAD 0.00001; gnomAD exomes 0.00001; TOPMed 0.00001; ExAC 0.00004.
gnomAD v4.1: 12 of 1,202,573 alleles (0.001%); highest among the groups gnomAD compares: Admixed American, 0.017%; no homozygotes.

Submissions (2):

Labcorp Genetics (formerly Invitae), Labcorp
Classification: Benign. Last evaluated: 2025-10-09. Review status: criteria provided, single submitter. Criteria: Invitae Variant Classification Sherloc (09022015). Collection method: clinical testing. Allele origin: germline.

CeGaT Center for Human Genetics Tuebingen
Classification: Likely benign. Last evaluated: 2023-01-01. Review status: criteria provided, single submitter. Criteria: CeGaT Center For Human Genetics Tuebingen Variant Classification Criteria Version 2. Collection method: clinical testing. Allele origin: germline. Affected: yes. Observed: 1 variant allele.
Comment: PGK1: BP4, BP7, BS2